The following is an entry in ClinVar:

NM_001267550.2(TTN):c.77662_77663del (p.Leu25888fs)

Genes: TTN-AS1 (TTN antisense RNA 1; plus strand), TTN (titin; minus strand). Cytogenetic location: 2q31.2.
Variant type: Microsatellite.
Coding change: c.77662_77663del on transcript NM_001267550.2 (MANE Select); coding-DNA positions 77662 to 77663, 2 bases deleted (CT; older notation c.77662_77663delCT).
Protein change: p.Leu25888fs; shifts the reading frame from leucine 25888.
Molecular consequence: frameshift variant.
Genome position (GRCh38, 1-based): chr2:178,568,469-178,568,470, AG deleted on the plus strand (CT on the coding strand, the reverse complement: TTN is on the minus strand); deleting any 2 consecutive bases within chr2:178,568,469-178,568,472 gives the same sequence; the c. name uses the placement nearest the transcript's 3' end. VCF-style (leftmost placement, unchanged base first): chr2-178568468-TAG-T. GRCh37 (hg19) VCF-style: chr2-179433195-TAG-T.
Other names: c.72739_72740del, p.Leu24247fs (NM_001256850.1); c.50467_50468del, p.Leu16823fs (NM_003319.4); c.69958_69959del, p.Leu23320fs (NM_133378.4); c.50842_50843del, p.Leu16948fs (NM_133432.3); c.51043_51044del, p.Leu17015fs (NM_133437.4); short protein forms L16948fs, L17015fs, L23320fs, L16823fs, L24247fs, L25888fs.
Identifiers: ClinVar variation 4793787 (VCV004793787.1).

ClinVar aggregate classification (germline): Likely pathogenic (1 of 4 stars; one submission).

Conditions:
Autosomal recessive limb-girdle muscular dystrophy type 2J (LGMDR10). Also called: MUSCULAR DYSTROPHY, LIMB-GIRDLE, AUTOSOMAL RECESSIVE 10; Limb-girdle muscular dystrophy, type 2J. Identifiers: Orphanet 140922, MedGen C1837342, MONDO:0012127, OMIM 608807.
Dilated cardiomyopathy 1G (CMD1G). Identifiers: Orphanet 154, MedGen C1858763, MONDO:0011400, OMIM 604145.

Submission:

Labcorp Genetics (formerly Invitae), Labcorp
Classification: Likely pathogenic for Dilated cardiomyopathy 1G; Autosomal recessive limb-girdle muscular dystrophy type 2J. Last evaluated: 2025-07-22. Review status: criteria provided, single submitter. Criteria: Invitae Variant Classification Sherloc (09022015). Collection method: clinical testing. Allele origin: germline.
Comment: This sequence change creates a premature translational stop signal (p.Leu25888Argfs*2) in the TTN gene. While this is not anticipated to result in nonsense mediated decay, it is expected to create a truncated TTN protein. This variant is not present in population databases (gnomAD no frequency). This variant has not been reported in the literature in individuals affected with TTN-related conditions. This variant is located in the A band of TTN (PMID: 25589632). Truncating variants in this region are significantly overrepresented in patients affected with dilated cardiomyopathy (PMID: 25589632). Truncating variants in this region have also been reported in individuals affected with autosomal recessive centronuclear myopathy (PMID: 23975875). In summary, the currently available evidence indicates that the variant is pathogenic, but additional data are needed to prove that conclusively. Therefore, this variant has been classified as Likely Pathogenic.

Literature cited by the submitters: PubMed 25589632; PubMed 23975875.